The following is an entry in ClinVar:

NM_001349798.2(FBXW7):c.1154C>T (p.Thr385Ile)

Gene: FBXW7 (F-box and WD repeat domain containing 7; minus strand). Cytogenetic location: 4q31.3.
Variant type: single nucleotide variant.
Coding change: c.1154C>T on transcript NM_001349798.2 (MANE Select); coding-DNA position 1154, C replaced by T.
Protein change: p.Thr385Ile; replaces threonine 385 with isoleucine.
Molecular consequence: missense variant.
Genome position (GRCh38, 1-based): chr4:152,329,754, G>A on the plus strand (C>T on the coding strand, the complement: FBXW7 is on the minus strand). VCF-style: chr4-152329754-G-A. GRCh37 (hg19) VCF-style: chr4-153250906-G-A.
Other names: c.800C>T, p.Thr267Ile (NM_001013415.2); c.914C>T, p.Thr305Ile (NM_018315.5); c.1154C>T, p.Thr385Ile (NM_033632.3); short protein forms T267I, T305I, T385I.
Identifiers: ClinVar variation 4530543 (VCV004530543.1).

ClinVar aggregate classification (somatic clinical impact): Tier I - Strong (1 of 4 stars; one submission).

Conditions:
Embryonal rhabdomyosarcoma (ERMS). Also called: Botryoid rhabdomyosarcoma (type of ERMS); Spindle cell rhabdomyosarcomas (type of ERMS). Identifiers: Orphanet 99757, MedGen C0206656, MONDO:0009993, HP:0006743.

Submission:

Institute for Genomic Medicine (IGM) Clinical Laboratory, Nationwide Children's Hospital
Classification: Tier I - Strong for Embryonal rhabdomyosarcoma. Assertion type: diagnostic. Clinical significance: supports diagnosis. Last evaluated: 2024-07-22. Review status: criteria provided, single submitter. Criteria: AMP/ASCO/CAP Guidelines, 2017. Collection method: clinical testing. Allele origin: somatic. Affected: yes.
Comment: Variant has Tier I (strong) clinical significance as a diagnostic inclusion criterion in embryonal rhabdomyosarcoma, based on the following evidence: 1) Documented in one or more cancer databases (e.g., St. Jude Pecan, COSMIC, CIViC, OncoKB). 2) Appears in one or more well-established professional guidelines (e.g., World Health Organization [WHO]; National Comprehensive Cancer Network [NCCN]) as providing diagnostic, prognostic, or therapeutic information. 3) Diagnostic for a specific tumor type/classification based on well-powered studies with expert-level consensus (Evidence Level B; PMIDs: 24436047, 34166060, 25768946).

Literature cited by the submitters: PubMed 24436047; PubMed 34166060; PubMed 25768946.